The following is an entry in ClinVar:

ClinVar aggregate classification (germline): Uncertain significance (1 of 4 stars; one submission).

Conditions:
Seizures, benign familial infantile, 3 (BFIS3). Also called: Familial neonatal seizures; CONVULSIONS, BENIGN FAMILIAL INFANTILE, 3. Identifiers: Orphanet 140927, Orphanet 306, MedGen C1843140, MONDO:0011904, OMIM 607745.
Developmental and epileptic encephalopathy, 11 (DEE11). Also called: Early infantile epileptic encephalopathy 11. Identifiers: Orphanet 1934, MedGen C3150987, MONDO:0013388, OMIM 613721.

Allele frequency attached by ClinVar (database versions not stated): TOPMed below 0.00001; gnomAD 0.00001; gnomAD exomes 0.00001.
gnomAD v4.1: 9 of 1,577,266 alleles (0.00057%); highest among the groups gnomAD compares: Non-Finnish European, 0.00078%; no homozygotes.

Submission:

Labcorp Genetics (formerly Invitae), Labcorp
Classification: Uncertain significance for Seizures, benign familial infantile, 3; Developmental and epileptic encephalopathy, 11. Last evaluated: 2022-08-10. Review status: criteria provided, single submitter. Criteria: Invitae Variant Classification Sherloc (09022015). Collection method: clinical testing. Allele origin: germline.
Comment: In summary, the available evidence is currently insufficient to determine the role of this variant in disease. Therefore, it has been classified as a Variant of Uncertain Significance. Algorithms developed to predict the effect of missense changes on protein structure and function are either unavailable or do not agree on the potential impact of this missense change (SIFT: "Deleterious"; PolyPhen-2: "Possibly Damaging"; Align-GVGD: "Class C0"). This variant has not been reported in the literature in individuals affected with SCN2A-related conditions. This variant is not present in population databases (gnomAD no frequency). This sequence change replaces isoleucine, which is neutral and non-polar, with threonine, which is neutral and polar, at codon 1513 of the SCN2A protein (p.Ile1513Thr).

NM_001040142.2(SCN2A):c.4538T>C (p.Ile1513Thr)

Gene: SCN2A (sodium voltage-gated channel alpha subunit 2; plus strand). Cytogenetic location: 2q24.3.
Variant type: single nucleotide variant.
Coding change: c.4538T>C on transcript NM_001040142.2 (MANE Select); coding-DNA position 4538, T replaced by C.
Protein change: p.Ile1513Thr; replaces isoleucine 1513 with threonine.
Molecular consequence: missense variant.
Genome position (GRCh38, 1-based): chr2:165,381,184, T>C. VCF-style: chr2-165381184-T-C. GRCh37 (hg19) VCF-style: chr2-166237694-T-C.
Other names: c.4538T>C, p.Ile1513Thr (NM_001040143.2, NM_001371246.1, NM_001371247.1 and 1 more transcripts); short protein forms I1513T.
Identifiers: ClinVar variation 2006106 (VCV002006106.4), dbSNP rs1366861322, ClinGen allele CA349034950.